The following is an entry in ClinVar:

ClinVar aggregate classification (germline): Uncertain significance (1 of 4 stars; one submission).

Conditions:
Charcot-Marie-Tooth disease type 2. Also called: Charcot-Marie-Tooth type 2. Identifiers: Orphanet 64746, MedGen C0270914, MONDO:0018993.

Allele frequency attached by ClinVar (database versions not stated): gnomAD 0.00002; gnomAD exomes 0.00002 and 0.00001; ESP Exome Variant Server 0.00008; ExAC 0.00001; TOPMed 0.00004.
gnomAD v4.1: 17 of 1,610,146 alleles (0.0011%); highest among the groups gnomAD compares: South Asian, 0.011%; no homozygotes.

Submission:

Labcorp Genetics (formerly Invitae), Labcorp
Classification: Uncertain significance for Charcot-Marie-Tooth disease type 2. Last evaluated: 2025-03-17. Review status: criteria provided, single submitter. Criteria: Invitae Variant Classification Sherloc (09022015). Collection method: clinical testing. Allele origin: germline.
Comment: This sequence change replaces glutamine, which is neutral and polar, with lysine, which is basic and polar, at codon 494 of the MFN2 protein (p.Gln494Lys). This variant is present in population databases (rs141775063, gnomAD 0.01%). This variant has not been reported in the literature in individuals affected with MFN2-related conditions. ClinVar contains an entry for this variant (Variation ID: 663013). Invitae Evidence Modeling of protein sequence and biophysical properties (such as structural, functional, and spatial information, amino acid conservation, physicochemical variation, residue mobility, and thermodynamic stability) has been performed for this missense variant. However, the output from this modeling did not meet the statistical confidence thresholds required to predict the impact of this variant on MFN2 protein function. In summary, the available evidence is currently insufficient to determine the role of this variant in disease. Therefore, it has been classified as a Variant of Uncertain Significance.

NM_014874.4(MFN2):c.1480C>A (p.Gln494Lys)

Gene: MFN2 (mitofusin 2; plus strand). Cytogenetic location: 1p36.22.
Variant type: single nucleotide variant.
Coding change: c.1480C>A on transcript NM_014874.4 (MANE Select); coding-DNA position 1480, C replaced by A.
Protein change: p.Gln494Lys; replaces glutamine 494 with lysine.
Molecular consequence: missense variant.
Genome position (GRCh38, 1-based): chr1:12,004,912, C>A. VCF-style: chr1-12004912-C-A. GRCh37 (hg19) VCF-style: chr1-12064969-C-A.
Other names: c.1480C>A, p.Gln494Lys (NM_001127660.2); short protein forms Q494K.
Identifiers: ClinVar variation 663013 (VCV000663013.10), dbSNP rs141775063, ClinGen allele CA599130.
Genomic context (GRCh38, chr1:12,004,912, plus strand): 5'-CTGGGTCGAAACATGTCTGACCGCTGCTCCACGGCCATCACCAACTCCCTGCAGACCATG[C>A]AGCAGGACATGATAGGTTAGTGCCCATGGGGAACTGGGCAGCTGTGGCCCTGGGCTGCCC-3'
Protein context (NP_055689.1, residues 484-504): TAITNSLQTM[Gln494Lys]QDMIDGLKPL